The following is an entry in ClinVar:

ClinVar aggregate classification (germline): Conflicting classifications of pathogenicity. Review status: criteria provided, conflicting classifications (1 of 4 stars). 4 submissions from 4 submitters: Uncertain significance (1); Likely benign (3). Last evaluated 2025-12-22.

Conditions:
Cardiovascular phenotype. Identifiers: MedGen CN230736.
Duchenne muscular dystrophy (DMD). Also called: MUSCULAR DYSTROPHY, PSEUDOHYPERTROPHIC PROGRESSIVE, DUCHENNE TYPE; Duchenne Muscular Dystrophy (DMD). Identifiers: Orphanet 98896, MedGen C0013264, MONDO:0010679, OMIM 310200.

Allele frequency attached by ClinVar (database versions not stated): TOPMed 0.00002; ExAC 0.00003; gnomAD exomes 0.00003; gnomAD 0.00004.
gnomAD v4.1: 39 of 1,208,249 alleles (0.0032%); highest among the groups gnomAD compares: Non-Finnish European, 0.0039%; no homozygotes.

Submissions (4):

Labcorp Genetics (formerly Invitae), Labcorp
Classification: Likely benign for Duchenne muscular dystrophy. Last evaluated: 2025-12-22. Review status: criteria provided, single submitter. Criteria: Invitae Variant Classification Sherloc (09022015). Collection method: clinical testing. Allele origin: germline.

Revvity Omics, Revvity
Classification: Uncertain significance. Last evaluated: 2021-07-22. Review status: criteria provided, single submitter. Criteria: ACMG Guidelines, 2015. Collection method: clinical testing. Allele origin: germline.

Ambry Genetics
Classification: Likely benign for Cardiovascular phenotype. Last evaluated: 2020-06-04. Review status: criteria provided, single submitter. Criteria: Ambry Variant Classification Scheme 2023. Collection method: clinical testing. Allele origin: germline.

GeneDx
Classification: Likely benign. Last evaluated: 2016-12-22. Review status: criteria provided, single submitter. Criteria: GeneDx Variant Classification (06012015). Collection method: clinical testing. Allele origin: germline. Affected: yes.
Comment: This variant is considered likely benign or benign based on one or more of the following criteria: it is a conservative change, it occurs at a poorly conserved position in the protein, it is predicted to be benign by multiple in silico algorithms, and/or has population frequency not consistent with disease.

NM_004006.3(DMD):c.2252G>A (p.Arg751Gln)

Gene: DMD (dystrophin; minus strand). Cytogenetic location: Xp21.1.
Variant type: single nucleotide variant.
Coding change: c.2252G>A on transcript NM_004006.3 (MANE Select); coding-DNA position 2252, G replaced by A.
Protein change: p.Arg751Gln; replaces arginine 751 with glutamine.
Molecular consequence: missense variant.
Genome position (GRCh38, 1-based): chrX:32,518,048, C>T on the plus strand (G>A on the coding strand, the complement: DMD is on the minus strand). VCF-style: chrX-32518048-C-T. GRCh37 (hg19) VCF-style: chrX-32536165-C-T.
Other names: c.2228G>A, p.Arg743Gln (NM_000109.4); c.2240G>A, p.Arg747Gln (NM_004009.3); c.1883G>A, p.Arg628Gln (NM_004010.3); short protein forms R751Q, R743Q, R747Q, R628Q.
Identifiers: ClinVar variation 389966 (VCV000389966.12), dbSNP rs747802164, ClinGen allele CA10379592.
Genomic context (GRCh38, chrX:32,518,048, plus strand): 5'-AAAATTAATGCATAACCTACATTGACTTTTTCTTTTAAGTCTGAGAAGTTGCCTTCCTTC[C>T]GAAAGATTGCAAATTCAGGACTCTGCAACACAGCTTCTGAGCGAGTAATCCAGCTGTGAA-3'
Protein context (NP_003997.2, residues 741-761): VLQSPEFAIF[Arg751Gln]KEGNFSDLKE